The following is an entry in ClinVar:

ClinVar aggregate classification (germline): Pathogenic (1 of 4 stars; one submission).

Conditions:
Fabry disease. Also called: Fabry's disease; ALPHA-GALACTOSIDASE A DEFICIENCY; ANDERSON-FABRY DISEASE; CERAMIDE TRIHEXOSIDASE DEFICIENCY; GLA DEFICIENCY; HEREDITARY DYSTOPIC LIPIDOSIS. Identifiers: Orphanet 324, MedGen C0002986, MONDO:0010526, OMIM 301500, HP:0001071. Disease mechanism: Fabry disease is due to inactivating mutations in the X-linked GLA gene resulting in deficiency of the enzyme Alpha Galactosidase-A., loss of function.

Submission:

Labcorp Genetics (formerly Invitae), Labcorp
Classification: Pathogenic for Fabry disease. Last evaluated: 2023-02-14. Review status: criteria provided, single submitter. Criteria: Invitae Variant Classification Sherloc (09022015). Collection method: clinical testing. Allele origin: germline.
Comment: For these reasons, this variant has been classified as Pathogenic. This variant has not been reported in the literature in individuals affected with GLA-related conditions. This variant is not present in population databases (gnomAD no frequency). This sequence change creates a premature translational stop signal (p.Arg301Aspfs*16) in the GLA gene. It is expected to result in an absent or disrupted protein product. Loss-of-function variants in GLA are known to be pathogenic (PMID: 10666480, 12175777).

Literature cited by the submitters: PubMed 10666480; PubMed 12175777.

NM_000169.3(GLA):c.901del (p.Arg301fs)

Genes: GLA (galactosidase alpha; minus strand), RPL36A-HNRNPH2 (RPL36A-HNRNPH2 readthrough; plus strand). Cytogenetic location: Xq22.1.
Variant type: Deletion.
Coding change: c.901del on transcript NM_000169.3 (MANE Select); coding-DNA position 901, one base deleted (C; older notation c.901delC).
Protein change: p.Arg301fs; shifts the reading frame from arginine 301.
Molecular consequence: frameshift variant. On other transcripts: non-coding transcript variant (3), intron variant (2).
Genome position (GRCh38, 1-based): chrX:101,398,468, G deleted on the plus strand (C on the coding strand, the reverse complement: GLA is on the minus strand); the first of 2 consecutive G bases (chrX:101,398,468-101,398,469); deleting either gives the same sequence. VCF-style (leftmost placement, unchanged base first): chrX-101398467-CG-C. GRCh37 (hg19) VCF-style: chrX-100653455-CG-C.
Other names: c.1024del, p.Arg342fs (NM_001406747.1); c.901del, p.Arg301fs (NM_001406748.1); c.300+3012del (NM_001199973.2); c.177+6647del (NM_001199974.2); short protein forms R342fs, R301fs.
Identifiers: ClinVar variation 2837282 (VCV002837282.3), dbSNP rs2520862276, ClinGen allele CA2739273652.